The following is an entry in ClinVar:

ClinVar aggregate classification (germline): Pathogenic/Likely pathogenic. Review status: criteria provided, multiple submitters, no conflicts (2 of 4 stars). 3 submissions from 3 submitters: Pathogenic (2); Likely pathogenic (1). Last evaluated 2026-02-04.

Conditions:
POLG-related disorder. Also called: POLG-Related Spectrum Disorders; POLG-related condition; POLG-Related Disorders. Identifiers: MedGen C4763519.
Progressive sclerosing poliodystrophy (MTDPS4A). Also called: ALPERS PROGRESSIVE INFANTILE POLIODYSTROPHY; NEURONAL DEGENERATION OF CHILDHOOD WITH LIVER DISEASE, PROGRESSIVE; Alpers-Huttenlocher Syndrome; Mitochondrial DNA depletion syndrome 4A (Alpers type); Mitochondrial DNA Depletion Syndrome 4A; Alpers-Huttenlocher Syndrome (AHS). Identifiers: Orphanet 726, MedGen C0205710, MONDO:0008758, OMIM 203700.

gnomAD v4.1: 1 of 1,613,276 alleles (0.000062%); no homozygotes.

Submissions (3):

GeneDx
Classification: Likely pathogenic. Last evaluated: 2026-02-04. Review status: criteria provided, single submitter. Criteria: GeneDx Variant Classification Process June 2021. Collection method: clinical testing. Allele origin: germline. Affected: yes.
Comment: Nonsense variant predicted to result in protein truncation or nonsense mediated decay in a gene for which loss of function is a known mechanism of disease; Not observed at significant frequency in large population cohorts (gnomAD); Has not been previously published as pathogenic or benign to our knowledge

Labcorp Genetics (formerly Invitae), Labcorp
Classification: Pathogenic for Progressive sclerosing poliodystrophy. Last evaluated: 2025-02-02. Review status: criteria provided, single submitter. Criteria: Invitae Variant Classification Sherloc (09022015). Collection method: clinical testing. Allele origin: germline.
Comment: This sequence change creates a premature translational stop signal (p.Gln308*) in the POLG gene. It is expected to result in an absent or disrupted protein product. Loss-of-function variants in POLG are known to be pathogenic (PMID: 18546365). This variant is not present in population databases (gnomAD no frequency). This variant has not been reported in the literature in individuals affected with POLG-related conditions. ClinVar contains an entry for this variant (Variation ID: 489385). Algorithms developed to predict the effect of sequence changes on RNA splicing suggest that this variant may disrupt the consensus splice site. For these reasons, this variant has been classified as Pathogenic.

Myriad Genetics, Inc.
Classification: Pathogenic for POLG-related disorder. Last evaluated: 2025-01-22. Review status: criteria provided, single submitter. Criteria: Myriad Autosomal Dominant, Autosomal Recessive and X-Linked Classification Criteria (2023). Collection method: clinical testing. Allele origin: unknown.
Comment: NM_002693.2(POLG):c.922C>T(Q308*) is expected to be pathogenic in the context of POLG-related disorders. This variant is predicted to lead to an abnormal or absent protein product due to the creation of a premature termination codon in POLG, a gene where loss-of-function variants are known to be pathogenic. Please note: this variant was assessed in the context of healthy population screening.

Literature cited by the submitters: PubMed 18546365 (cited by Labcorp Genetics (formerly Invitae), Labcorp).

NM_002693.3(POLG):c.922C>T (p.Gln308Ter)

Gene: POLG (DNA polymerase gamma, catalytic subunit; minus strand). Cytogenetic location: 15q26.1.
Variant type: single nucleotide variant.
Coding change: c.922C>T on transcript NM_002693.3 (MANE Select); coding-DNA position 922, C replaced by T.
Protein change: p.Gln308Ter; replaces glutamine 308 with a stop codon.
Molecular consequence: nonsense.
Genome position (GRCh38, 1-based): chr15:89,329,044, G>A on the plus strand (C>T on the coding strand, the complement: POLG is on the minus strand). VCF-style: chr15-89329044-G-A. GRCh37 (hg19) VCF-style: chr15-89872275-G-A.
Other names: c.922C>T, p.Gln308Ter (NM_001126131.2); short protein forms Q308*.
Identifiers: ClinVar variation 489385 (VCV000489385.10), dbSNP rs1555453824, ClinGen allele CA393765780.